The following is an entry in ClinVar:

ClinVar aggregate classification (germline): Uncertain significance. Review status: criteria provided, multiple submitters, no conflicts (2 of 4 stars). 6 submissions from 6 submitters: Uncertain significance (5). 1 of the submissions does not count toward it. Last evaluated 2025-03-20.

Conditions:
Hereditary nonpolyposis colorectal neoplasms. Identifiers: MedGen C0009405, MeSH D003123.
Hereditary cancer-predisposing syndrome. Also called: Hereditary Cancer Syndrome; Hereditary neoplastic syndrome; Neoplastic Syndromes, Hereditary; Tumor predisposition. Identifiers: Orphanet 140162, MedGen C0027672, MeSH D009386, MONDO:0015356.

Submissions (6):

Labcorp Genetics (formerly Invitae), Labcorp
Classification: Uncertain significance for Hereditary nonpolyposis colorectal neoplasms. Last evaluated: 2025-03-20. Review status: criteria provided, single submitter. Criteria: Invitae Variant Classification Sherloc (09022015). Collection method: clinical testing. Allele origin: germline.
Comment: This variant, c.661_672del, results in the deletion of 4 amino acid(s) of the MSH6 protein (p.Glu221_Glu224del), but otherwise preserves the integrity of the reading frame. This variant is not present in population databases (gnomAD no frequency). This variant has not been reported in the literature in individuals affected with MSH6-related conditions. ClinVar contains an entry for this variant (Variation ID: 455338). Experimental studies and prediction algorithms are not available or were not evaluated, and the functional significance of this variant is currently unknown. In summary, the available evidence is currently insufficient to determine the role of this variant in disease. Therefore, it has been classified as a Variant of Uncertain Significance.

GeneDx
Classification: Uncertain significance. Last evaluated: 2024-12-15. Review status: criteria provided, single submitter. Criteria: GeneDx Variant Classification Process June 2021. Collection method: clinical testing. Allele origin: germline. Affected: yes.
Comment: In-frame deletion of 4 amino acid(s) in a non-repeat region; Not observed at significant frequency in large population cohorts (gnomAD); In silico analysis supports a deleterious effect on protein structure/function; Has not been previously published as pathogenic or benign to our knowledge; This variant is associated with the following publications: (PMID: 21437237)

Ambry Genetics
Classification: Uncertain significance for Hereditary cancer-predisposing syndrome. Last evaluated: 2024-08-12. Review status: criteria provided, single submitter. Criteria: Ambry Variant Classification Scheme 2023. Collection method: clinical testing. Allele origin: germline.
Comment: The c.661_672del12 variant (also known as p.E221_E224del) is located in coding exon 4 of the MSH6 gene. This variant results from an in-frame deletion of 12 nucleotides at nucleotide positions 661 to 672. This results in the in-frame deletion of four amino acids (EDNE) at codons 221 to 224. This amino acid region is not well conserved in available vertebrate species. In addition, this alteration is predicted to be deleterious by in silico analysis (Choi Y et al. PLoS ONE. 2012; 7(10):e46688). Based on the available evidence, the clinical significance of this variant remains unclear.

Women's Health and Genetics/Laboratory Corporation of America, LabCorp
Classification: Uncertain significance. Last evaluated: 2024-01-22. Review status: criteria provided, single submitter. Criteria: LabCorp Variant Classification Summary - May 2015. Collection method: clinical testing. Allele origin: germline.
Comment: Variant summary: MSH6 c.661_672del12 (p.Glu221_Glu224del) results in an in-frame deletion that is predicted to remove four amino acids from the encoded protein. The variant was absent in 248506 control chromosomes. The available data on variant occurrences in the general population are insufficient to allow any conclusion about variant significance. To our knowledge, no occurrence of c.661_672del12 in individuals affected with Lynch Syndrome and no experimental evidence demonstrating its impact on protein function have been reported. ClinVar contains an entry for this variant (Variation ID: 455338). Based on the evidence outlined above, the variant was classified as uncertain significance.

Color Diagnostics, LLC DBA Color Health
Classification: Uncertain significance for Hereditary cancer-predisposing syndrome. Last evaluated: 2023-05-30. Review status: criteria provided, single submitter. Criteria: ACMG Guidelines, 2015. Collection method: clinical testing. Allele origin: germline.
Comment: This variant causes an in-frame deletion of four amino acids of the MSH6 protein. To our knowledge, functional studies have not been reported for this variant. This variant has not been reported in individuals affected with MSH6-related disorders in the literature. This variant has not been identified in the general population by the Genome Aggregation Database (gnomAD). The available evidence is insufficient to determine the role of this variant in disease conclusively. Therefore, this variant is classified as a Variant of Uncertain Significance.

Mayo Clinic Laboratories, Mayo Clinic
Classification: Uncertain significance. Review status: no assertion criteria provided. Collection method: clinical testing. Allele origin: unknown. Not counted in ClinVar's aggregate classification.

NM_000179.3(MSH6):c.661_672del (p.Glu221_Glu224del)

Gene: MSH6 (mutS homolog 6; plus strand). Cytogenetic location: 2p16.3.
Variant type: Deletion.
Coding change: c.661_672del on transcript NM_000179.3 (MANE Select); coding-DNA positions 661 to 672, 12 bases deleted (GAAGATAATGAA).
Protein change: p.Glu221_Glu224del.
Molecular consequence: inframe deletion. On other transcripts: 5 prime UTR variant (2).
Genome position (GRCh38, 1-based): chr2:47,798,644-47,798,655, GAAGATAATGAA deleted; deleting any 12 consecutive bases within chr2:47,798,640-47,798,655 gives the same sequence; the c. name uses the placement nearest the transcript's 3' end. VCF-style (leftmost placement, unchanged base first): chr2-47798639-GTGAAGAAGATAA-G. GRCh37 (hg19) VCF-style: chr2-48025778-GTGAAGAAGATAA-G.
Other names: c.661_672delGAAGATAATGAA (NM_000179.2); c.271_282del, p.Glu91_Glu94del (NM_001281492.2); c.-246_-235del (NM_001281493.2, NM_001281494.2); c.661_672del12 (NM_000179.3).
Identifiers: ClinVar variation 455338 (VCV000455338.27), dbSNP rs1553412079, ClinGen allele CA658655709.